The following is an entry in ClinVar:

ClinVar aggregate classification (germline): Likely benign. Review status: criteria provided, multiple submitters, no conflicts (2 of 4 stars). 3 submissions from 3 submitters: Likely benign (3). Last evaluated 2024-12-18.

Conditions:
Catecholaminergic polymorphic ventricular tachycardia (CVPT). Also called: Catecholamine-induced polymorphic ventricular tachycardia. Identifiers: Orphanet 3286, MedGen C5574922, MONDO:0017990.
Cardiomyopathy (CMYO). Also called: Cardiomyopathies. Identifiers: Orphanet 167848, MedGen C0878544, MONDO:0004994, HP:0001638. Inheritance: Various modes of inheritance.
Catecholaminergic polymorphic ventricular tachycardia 1. Also called: VENTRICULAR TACHYCARDIA, STRESS-INDUCED POLYMORPHIC 1; VENTRICULAR TACHYCARDIA, CATECHOLAMINERGIC POLYMORPHIC, 1, WITH OR WITHOUT ATRIAL DYSFUNCTION AND/OR DILATED CARDIOMYOPATHY; RYR2-Related Catecholaminergic Polymorphic Ventricular Tachycardia. Identifiers: Orphanet 3286, MedGen C1631597, MONDO:0011484, OMIM 604772.

gnomAD v4.1: 15 of 1,611,408 alleles (0.00093%); highest among the groups gnomAD compares: Non-Finnish European, 0.0013%; no homozygotes.

Submissions (3):

Labcorp Genetics (formerly Invitae), Labcorp
Classification: Likely benign for Catecholaminergic polymorphic ventricular tachycardia 1. Last evaluated: 2024-12-18. Review status: criteria provided, single submitter. Criteria: Invitae Variant Classification Sherloc (09022015). Collection method: clinical testing. Allele origin: germline.

All of Us Research Program, National Institutes of Health
Classification: Likely benign for Catecholaminergic polymorphic ventricular tachycardia. Last evaluated: 2023-02-22. Review status: criteria provided, single submitter. Criteria: ACMG Guidelines, 2015. Collection method: clinical testing. Allele origin: germline. Inheritance: Autosomal dominant inheritance. Observed: 1 variant allele, 1 heterozygote.
Comment: This study involves interpretation of variants in research participants for the purpose of population health screening. Participant phenotype was not available at the time of variant classification. Additional details can be found in publication PMID: 35346344, PMCID: PMC8962531

Color Diagnostics, LLC DBA Color Health
Classification: Likely benign for Cardiomyopathy. Last evaluated: 2021-02-17. Review status: criteria provided, single submitter. Criteria: ACMG Guidelines, 2015. Collection method: clinical testing. Allele origin: germline.

NM_001035.3(RYR2):c.4734C>A (p.Pro1578=)

Gene: RYR2 (ryanodine receptor 2; plus strand). Cytogenetic location: 1q43.
Variant type: single nucleotide variant.
Coding change: c.4734C>A on transcript NM_001035.3 (MANE Select); coding-DNA position 4734, C replaced by A.
Protein change: p.Pro1578=; no amino-acid change (proline 1578 retained).
Molecular consequence: synonymous variant.
Genome position (GRCh38, 1-based): chr1:237,610,812, C>A. VCF-style: chr1-237610812-C-A. GRCh37 (hg19) VCF-style: chr1-237774112-C-A.
Identifiers: ClinVar variation 1172291 (VCV001172291.8), dbSNP rs201880756, ClinGen allele CA424030896.
Genomic context (GRCh38, chr1:237,610,812, plus strand): 5'-CATCCGCTAGAATGTGATGCCTCTCTCGGCGGGATTATTCAAGAGTGAGCACAAGAACCC[C>A]GTGCCGCAGTGCCCCCCGCGCCTCCACGTGCAGTTCCTGTCACACGTCCTGTGGAGCAGA-3'
Protein context (NP_001026.2, residues 1568-1588): AGLFKSEHKN[Pro1578=]VPQCPPRLHV